The following is an entry in ClinVar:

NM_021927.3(GUF1):c.443G>T (p.Ser148Ile)

Gene: GUF1 (GTP binding elongation factor GUF1; plus strand). Cytogenetic location: 4p12.
Variant type: single nucleotide variant.
Coding change: c.443G>T on transcript NM_021927.3 (MANE Select); coding-DNA position 443, G replaced by T.
Protein change: p.Ser148Ile; replaces serine 148 with isoleucine.
Molecular consequence: missense variant. On other transcripts: 5 prime UTR variant (2).
Genome position (GRCh38, 1-based): chr4:44,681,139, G>T. VCF-style: chr4-44681139-G-T. GRCh37 (hg19) VCF-style: chr4-44683156-G-T.
Other names: c.-526G>T (NM_001345867.2); c.443G>T, p.Ser148Ile (NM_001345868.2); c.-530G>T (NM_001345869.2); short protein forms S148I.
Identifiers: ClinVar variation 784038 (VCV000784038.34), dbSNP rs150033989, ClinGen allele CA2905294.

ClinVar aggregate classification (germline): Likely benign. Review status: criteria provided, multiple submitters, no conflicts (2 of 4 stars). 5 submissions from 5 submitters: Likely benign (4). 1 of the submissions does not count toward it. Last evaluated 2026-04-01.

Conditions:
GUF1-related disorder. Also called: GUF1-related condition.

Allele frequency attached by ClinVar (database versions not stated): 1000 Genomes Project 0.00040; 1000 Genomes Project 30x 0.00109; gnomAD 0.00176 and 0.00182; ExAC 0.00207; gnomAD exomes 0.00214 and 0.00251; TOPMed 0.00222; ESP Exome Variant Server 0.00277.
gnomAD v4.1: 3,970 of 1,613,008 alleles (0.25%); highest among the groups gnomAD compares: Admixed American, 0.47%; 7 homozygotes.

Submissions (5):

CeGaT Center for Human Genetics Tuebingen
Classification: Likely benign. Last evaluated: 2026-04-01. Review status: criteria provided, single submitter. Criteria: CeGaT Center For Human Genetics Tuebingen Variant Classification Criteria Version 2. Collection method: clinical testing. Allele origin: germline. Affected: yes. Observed: 5 variant alleles.
Comment: GUF1: BS1

Labcorp Genetics (formerly Invitae), Labcorp
Classification: Likely benign. Last evaluated: 2026-01-19. Review status: criteria provided, single submitter. Criteria: Invitae Variant Classification Sherloc (09022015). Collection method: clinical testing. Allele origin: germline.

Blueprint Genetics
Classification: Likely benign. Last evaluated: 2024-11-25. Review status: criteria provided, single submitter. Criteria: ACMG Guidelines, 2015. Collection method: clinical testing. Allele origin: germline.

Breakthrough Genomics
Classification: Likely benign. Review status: criteria provided, single submitter. Criteria: ACMG Guidelines, 2015. Collection method: not provided. Allele origin: germline. Inheritance: Autosomal recessive inheritance. Affected: yes.

PreventionGenetics, part of Exact Sciences
Classification: Likely benign for GUF1-related condition. Last evaluated: 2022-05-02. Review status: no assertion criteria provided. Collection method: clinical testing. Allele origin: germline. Not counted in ClinVar's aggregate classification.
Comment: This variant is classified as likely benign based on ACMG/AMP sequence variant interpretation guidelines (Richards et al. 2015 PMID: 25741868, with internal and published modifications).